The following is an entry in ClinVar:

NM_001070.5(TUBG1):c.800A>G (p.His267Arg)

Gene: TUBG1 (tubulin gamma 1; plus strand). Cytogenetic location: 17q21.2.
Variant type: single nucleotide variant.
Coding change: c.800A>G on transcript NM_001070.5 (MANE Select); coding-DNA position 800, A replaced by G.
Protein change: p.His267Arg; replaces histidine 267 with arginine.
Molecular consequence: missense variant.
Genome position (GRCh38, 1-based): chr17:42,613,955, A>G. VCF-style: chr17-42613955-A-G. GRCh37 (hg19) VCF-style: chr17-40765973-A-G.
Other names: short protein forms H267R.
Identifiers: ClinVar variation 3365303 (VCV003365303.2).

ClinVar aggregate classification (germline): Uncertain significance (1 of 4 stars; one submission).

Submission:

GeneDx
Classification: Uncertain significance. Last evaluated: 2025-12-12. Review status: criteria provided, single submitter. Criteria: GeneDx Variant Classification Process June 2021. Collection method: clinical testing. Allele origin: germline.
Comment: Not observed at significant frequency in large population cohorts (gnomAD); In silico analysis supports that this missense variant has a deleterious effect on protein structure/function; Has not been previously published as pathogenic or benign to our knowledge.